The following is an entry in ClinVar:

ClinVar aggregate classification (germline): Uncertain significance (1 of 4 stars; one submission).

gnomAD v4.1: 1 of 1,614,172 alleles (0.000062%); highest among the groups gnomAD compares: South Asian, 0.0011%; no homozygotes.

Submission:

Labcorp Genetics (formerly Invitae), Labcorp
Classification: Uncertain significance. Last evaluated: 2024-03-13. Review status: criteria provided, single submitter. Criteria: Invitae Variant Classification Sherloc (09022015). Collection method: clinical testing. Allele origin: germline.
Comment: This sequence change replaces glycine, which is neutral and non-polar, with serine, which is neutral and polar, at codon 307 of the TGFB1 protein (p.Gly307Ser). This variant is not present in population databases (gnomAD no frequency). This variant has not been reported in the literature in individuals affected with TGFB1-related conditions. Advanced modeling of protein sequence and biophysical properties (such as structural, functional, and spatial information, amino acid conservation, physicochemical variation, residue mobility, and thermodynamic stability) performed at Invitae indicates that this missense variant is not expected to disrupt TGFB1 protein function with a negative predictive value of 80%. In summary, the available evidence is currently insufficient to determine the role of this variant in disease. Therefore, it has been classified as a Variant of Uncertain Significance.

NM_000660.7(TGFB1):c.919G>A (p.Gly307Ser)

Gene: TGFB1 (transforming growth factor beta 1; minus strand). Cytogenetic location: 19q13.2.
Variant type: single nucleotide variant.
Coding change: c.919G>A on transcript NM_000660.7 (MANE Select); coding-DNA position 919, G replaced by A.
Protein change: p.Gly307Ser; replaces glycine 307 with serine.
Molecular consequence: missense variant.
Genome position (GRCh38, 1-based): chr19:41,332,223, C>T on the plus strand (G>A on the coding strand, the complement: TGFB1 is on the minus strand). VCF-style: chr19-41332223-C-T. GRCh37 (hg19) VCF-style: chr19-41838128-C-T.
Other names: short protein forms G307S.
Identifiers: ClinVar variation 3645825 (VCV003645825.2).